The following is an entry in ClinVar:

ClinVar aggregate classification (germline): Benign. Review status: criteria provided, multiple submitters, no conflicts (2 of 4 stars). 5 submissions from 5 submitters: Benign (5). Last evaluated 2026-02-03.

Allele frequency attached by ClinVar (database versions not stated): gnomAD exomes 0.00180 and 0.00576; gnomAD 0.00184 and 0.00219; TOPMed 0.00343; ExAC 0.00483; 1000 Genomes Project 30x 0.00957; 1000 Genomes Project 0.01033.
gnomAD v4.1: 2,271 of 1,210,141 alleles (0.19%); highest among the groups gnomAD compares: East Asian, 3.8%; 23 homozygotes.

Submissions (5):

Labcorp Genetics (formerly Invitae), Labcorp
Classification: Benign. Last evaluated: 2026-02-03. Review status: criteria provided, single submitter. Criteria: Invitae Variant Classification Sherloc (09022015). Collection method: clinical testing. Allele origin: germline.

Mayo Clinic Laboratories, Mayo Clinic
Classification: Benign. Last evaluated: 2023-07-26. Review status: criteria provided, single submitter. Criteria: ACMG Guidelines, 2015. Collection method: clinical testing. Allele origin: germline. Observed: 2 variant alleles.
Comment: BS1, BS2, BP4, BP7

GeneDx
Classification: Benign. Last evaluated: 2019-08-28. Review status: criteria provided, single submitter. Criteria: GeneDx Variant Classification Process June 2021. Collection method: clinical testing. Allele origin: germline. Affected: yes.

Athena Diagnostics
Classification: Benign. Last evaluated: 2018-10-18. Review status: criteria provided, single submitter. Criteria: Athena Diagnostics Criteria. Collection method: clinical testing. Allele origin: germline.

Ambry Genetics
Classification: Benign. Last evaluated: 2016-03-01. Review status: criteria provided, single submitter. Criteria: Ambry Variant Classification Scheme 2023. Collection method: clinical testing. Allele origin: germline.

NM_001008537.3(NEXMIF):c.855A>G (p.Leu285=)

Gene: NEXMIF (neurite extension and migration factor; minus strand). Cytogenetic location: Xq13.3.
Variant type: single nucleotide variant.
Coding change: c.855A>G on transcript NM_001008537.3 (MANE Select); coding-DNA position 855, A replaced by G.
Protein change: p.Leu285=; no amino-acid change (leucine 285 retained).
Molecular consequence: synonymous variant.
Genome position (GRCh38, 1-based): chrX:74,743,702, T>C on the plus strand (A>G on the coding strand, the complement: NEXMIF is on the minus strand). VCF-style: chrX-74743702-T-C. GRCh37 (hg19) VCF-style: chrX-73963537-T-C.
Other names: p.Leu285=.
Identifiers: ClinVar variation 474076 (VCV000474076.21), dbSNP rs3762242, ClinGen allele CA10455171.